The following is an entry in ClinVar:

NM_024753.5(TTC21B):c.2937A>G (p.Leu979=)

Gene: TTC21B (tetratricopeptide repeat domain 21B; minus strand). Cytogenetic location: 2q24.3.
Variant type: single nucleotide variant.
Coding change: c.2937A>G on transcript NM_024753.5 (MANE Select); coding-DNA position 2937, A replaced by G.
Protein change: p.Leu979=; no amino-acid change (leucine 979 retained).
Molecular consequence: synonymous variant.
Genome position (GRCh38, 1-based): chr2:165,898,699, T>C on the plus strand (A>G on the coding strand, the complement: TTC21B is on the minus strand). VCF-style: chr2-165898699-T-C. GRCh37 (hg19) VCF-style: chr2-166755209-T-C.
Other names: c.2937A>G (NM_024753.4).
Identifiers: ClinVar variation 1650150 (VCV001650150.11), dbSNP rs138361451, ClinGen allele CA1941657.

ClinVar aggregate classification (germline): Likely benign. Review status: criteria provided, multiple submitters, no conflicts (2 of 4 stars). 4 submissions from 4 submitters: Likely benign (4). Last evaluated 2025-12-15.

Conditions:
TTC21B-related disorder. Also called: TTC21B-related disorders; TTC21B-related condition.
Jeune thoracic dystrophy. Also called: Short-rib thoracic dysplasia; Jeune syndrome; Infantile thoracic dystrophy; Thoracic pelvic phalangeal dystrophy; Jeune's syndrome; Chondroectodermal dysplasia-like syndrome. Identifiers: Orphanet 474, MedGen C0265275, MONDO:0018770.
Nephronophthisis. Also called: Juvenile Nephronophthisis. Identifiers: Orphanet 655, MedGen C0687120, MONDO:0019005, HP:0000090.
Nephronophthisis 12 (NPHP12). Identifiers: Orphanet 655, MedGen C3151186, MONDO:0013442, OMIM 613820.
Asphyxiating thoracic dystrophy 4 (SRTD4). Also called: SHORT-RIB THORACIC DYSPLASIA 4 WITH OR WITHOUT POLYDACTYLY; SHORT-RIB THORACIC DYSPLASIA 4. Identifiers: Orphanet 474, MedGen C3151185, MONDO:0013441, OMIM 613819.

Allele frequency attached by ClinVar (database versions not stated): gnomAD exomes 0.00001; ExAC 0.00002; TOPMed 0.00005; gnomAD 0.00010 and 0.00011; ESP Exome Variant Server 0.00015; 1000 Genomes Project 0.00020; 1000 Genomes Project 30x 0.00062.
gnomAD v4.1: 24 of 1,611,132 alleles (0.0015%); highest among the groups gnomAD compares: African/African-American, 0.028%; no homozygotes.

Submissions (4):

Labcorp Genetics (formerly Invitae), Labcorp
Classification: Likely benign for Jeune thoracic dystrophy; Nephronophthisis. Last evaluated: 2025-12-15. Review status: criteria provided, single submitter. Criteria: Invitae Variant Classification Sherloc (09022015). Collection method: clinical testing. Allele origin: germline.

PreventionGenetics, part of Exact Sciences
Classification: Likely benign for TTC21B-related condition. Last evaluated: 2025-02-05. Review status: criteria provided, single submitter. Criteria: ACMG Guidelines, 2015. Collection method: clinical testing. Allele origin: germline.
Comment: This variant is classified as likely benign based on ACMG/AMP sequence variant interpretation guidelines (Richards et al. 2015 PMID: 25741868, with internal and published modifications).

Blueprint Genetics
Classification: Likely benign. Last evaluated: 2024-03-14. Review status: criteria provided, single submitter. Criteria: ACMG Guidelines, 2015. Collection method: clinical testing. Allele origin: germline.

Fulgent Genetics
Classification: Likely benign for Asphyxiating thoracic dystrophy 4; Nephronophthisis 12. Last evaluated: 2021-12-05. Review status: criteria provided, single submitter. Criteria: ACMG Guidelines, 2015. Collection method: clinical testing. Allele origin: unknown.